The following is an entry in ClinVar:

ClinVar aggregate classification (germline): Uncertain significance (1 of 4 stars; one submission).

Allele frequency attached by ClinVar (database versions not stated): ESP Exome Variant Server 0.00008.
gnomAD v4.1: 10 of 1,613,818 alleles (0.00062%); highest among the groups gnomAD compares: Admixed American, 0.0033%; 1 homozygote.

Submission:

Labcorp Genetics (formerly Invitae), Labcorp
Classification: Uncertain significance. Last evaluated: 2025-05-12. Review status: criteria provided, single submitter. Criteria: Invitae Variant Classification Sherloc (09022015). Collection method: clinical testing. Allele origin: germline.
Comment: This sequence change replaces arginine, which is basic and polar, with tryptophan, which is neutral and slightly polar, at codon 296 of the DCHS1 protein (p.Arg296Trp). This variant is present in population databases (rs147260288, gnomAD 0.0009%). This variant has not been reported in the literature in individuals affected with DCHS1-related conditions. ClinVar contains an entry for this variant (Variation ID: 1965811). Invitae Evidence Modeling of protein sequence and biophysical properties (such as structural, functional, and spatial information, amino acid conservation, physicochemical variation, residue mobility, and thermodynamic stability) indicates that this missense variant is not expected to disrupt DCHS1 protein function with a negative predictive value of 95%. In summary, the available evidence is currently insufficient to determine the role of this variant in disease. Therefore, it has been classified as a Variant of Uncertain Significance.

NM_003737.4(DCHS1):c.886C>T (p.Arg296Trp)

Gene: DCHS1 (dachsous cadherin-related 1; minus strand). Cytogenetic location: 11p15.4.
Variant type: single nucleotide variant.
Coding change: c.886C>T on transcript NM_003737.4 (MANE Select); coding-DNA position 886, C replaced by T.
Protein change: p.Arg296Trp; replaces arginine 296 with tryptophan.
Molecular consequence: missense variant.
Genome position (GRCh38, 1-based): chr11:6,640,728, G>A on the plus strand (C>T on the coding strand, the complement: DCHS1 is on the minus strand). VCF-style: chr11-6640728-G-A. GRCh37 (hg19) VCF-style: chr11-6661959-G-A.
Other names: short protein forms R296W.
Identifiers: ClinVar variation 1965811 (VCV001965811.5), dbSNP rs147260288, ClinGen allele CA5861071.
Genomic context (GRCh38, chr11:6,640,728, plus strand): 5'-ACTGCAGCAGCCCCGTGTGTGCGTCGATGGAGAAGGGTCCATCACCCTCGCTCTGCCTCC[G>A]GTTGATCTCGTAAGTCACAGCCCCATTGACACCAGCATCGGCATCAGATGCGAACACCTG-3'
Protein context (NP_003728.1, residues 286-306): VNGAVTYEIN[Arg296Trp]RQSEGDGPFS